The following is an entry in ClinVar:

NM_004385.5(VCAN):c.3820G>A (p.Asp1274Asn)

Gene: VCAN (versican; plus strand). Cytogenetic location: 5q14.3.
Variant type: single nucleotide variant.
Coding change: c.3820G>A on transcript NM_004385.5 (MANE Select); coding-DNA position 3820, G replaced by A.
Protein change: p.Asp1274Asn; replaces aspartic acid 1274 with asparagine.
Molecular consequence: missense variant. On other transcripts: intron variant (2).
Genome position (GRCh38, 1-based): chr5:83,522,126, G>A. VCF-style: chr5-83522126-G-A. GRCh37 (hg19) VCF-style: chr5-82817945-G-A.
Other names: c.3820G>A, p.Asp1274Asn (NM_001164098.2); c.1042+9730G>A (NM_001164097.2, NM_001126336.3); short protein forms D1274N.
Identifiers: ClinVar variation 860483 (VCV000860483.11), dbSNP rs375185685, ClinGen allele CA3333065.

ClinVar aggregate classification (germline): Conflicting classifications of pathogenicity. Review status: criteria provided, conflicting classifications (1 of 4 stars). 3 submissions from 3 submitters: Uncertain significance (2); Likely benign (1). Last evaluated 2025-11-21.

Conditions:
Inborn genetic diseases. Identifiers: MedGen C0950123, MeSH D030342.

Allele frequency attached by ClinVar (database versions not stated): ExAC 0.00002; gnomAD exomes 0.00002; gnomAD 0.00005; ESP Exome Variant Server 0.00008; TOPMed 0.00010.
gnomAD v4.1: 62 of 1,613,670 alleles (0.0038%); highest among the groups gnomAD compares: Non-Finnish European, 0.0048%; no homozygotes.

Submissions (3):

Labcorp Genetics (formerly Invitae), Labcorp
Classification: Uncertain significance. Last evaluated: 2025-11-21. Review status: criteria provided, single submitter. Criteria: Invitae Variant Classification Sherloc (09022015). Collection method: clinical testing. Allele origin: germline.
Comment: This sequence change replaces aspartic acid, which is acidic and polar, with asparagine, which is neutral and polar, at codon 1274 of the VCAN protein (p.Asp1274Asn). This variant is present in population databases (rs375185685, gnomAD 0.007%). This missense change has been observed in individual(s) with clinical features of inherited retinal dystrophy (internal data). ClinVar contains an entry for this variant (Variation ID: 860483). An algorithm developed to predict the effect of missense changes on protein structure and function (PolyPhen-2) suggests that this variant is likely to be disruptive. In summary, the available evidence is currently insufficient to determine the role of this variant in disease. Therefore, it has been classified as a Variant of Uncertain Significance.

Ambry Genetics
Classification: Uncertain significance for Inborn genetic diseases. Last evaluated: 2025-02-24. Review status: criteria provided, single submitter. Criteria: Ambry Variant Classification Scheme 2023. Collection method: clinical testing. Allele origin: germline.

Blueprint Genetics
Classification: Likely benign. Last evaluated: 2023-02-07. Review status: criteria provided, single submitter. Criteria: ACMG Guidelines, 2015. Collection method: clinical testing. Allele origin: germline.